The following is an entry in ClinVar:

NM_001005242.3(PKP2):c.365G>T (p.Arg122Leu)

Gene: PKP2 (plakophilin 2; minus strand). Cytogenetic location: 12p11.21.
Variant type: single nucleotide variant.
Coding change: c.365G>T on transcript NM_001005242.3 (MANE Select); coding-DNA position 365, G replaced by T.
Protein change: p.Arg122Leu; replaces arginine 122 with leucine.
Molecular consequence: missense variant.
Genome position (GRCh38, 1-based): chr12:32,878,515, C>A on the plus strand (G>T on the coding strand, the complement: PKP2 is on the minus strand). VCF-style: chr12-32878515-C-A. GRCh37 (hg19) VCF-style: chr12-33031449-C-A.
Other names: c.365G>T, p.Arg122Leu (NM_004572.4); short protein forms R122L.
Identifiers: ClinVar variation 925223 (VCV000925223.15), dbSNP rs201306582, ClinGen allele CA037110.

ClinVar aggregate classification (germline): Uncertain significance. Review status: criteria provided, multiple submitters, no conflicts (2 of 4 stars). 4 submissions from 4 submitters: Uncertain significance (4). Last evaluated 2025-04-17.

Conditions:
Cardiomyopathy (CMYO). Also called: Cardiomyopathies. Identifiers: Orphanet 167848, MedGen C0878544, MONDO:0004994, HP:0001638. Inheritance: Various modes of inheritance.
Arrhythmogenic right ventricular cardiomyopathy (ARVD). Also called: Arrhythmogenic cardiomyopathy; Cardiomyopathy, ARVC; Arrhythmogenic right ventricular dysplasia; Arrhythmogenic Right Ventricular Cardiomyopathy (ARVC). Identifiers: Orphanet 247, MedGen C0349788, MeSH D019571, MONDO:0016587. Disease mechanism: loss of function. Inheritance: Various modes of inheritance.
Cardiovascular phenotype. Identifiers: MedGen CN230736.
Arrhythmogenic right ventricular dysplasia 9 (ARVD9). Also called: Arrhythmogenic Right Ventricular Dysplasia/Cardiomyopathy 9; ARRHYTHMOGENIC RIGHT VENTRICULAR DYSPLASIA, FAMILIAL, 9. Identifiers: MedGen C1836906, MONDO:0012180, OMIM 609040.

Allele frequency attached by ClinVar (database versions not stated): TOPMed below 0.00001.
gnomAD v4.1: 6 of 1,611,984 alleles (0.00037%); highest among the groups gnomAD compares: Non-Finnish European, 0.00051%; no homozygotes.

Submissions (4):

Labcorp Genetics (formerly Invitae), Labcorp
Classification: Uncertain significance for Arrhythmogenic right ventricular dysplasia 9. Last evaluated: 2025-04-17. Review status: criteria provided, single submitter. Criteria: Invitae Variant Classification Sherloc (09022015). Collection method: clinical testing. Allele origin: germline.
Comment: This sequence change replaces arginine, which is basic and polar, with leucine, which is neutral and non-polar, at codon 122 of the PKP2 protein (p.Arg122Leu). The frequency data for this variant in the population databases is considered unreliable, as metrics indicate poor data quality at this position in the gnomAD database. This variant has not been reported in the literature in individuals affected with PKP2-related conditions. ClinVar contains an entry for this variant (Variation ID: 925223). An algorithm developed to predict the effect of missense changes on protein structure and function (PolyPhen-2) suggests that this variant is likely to be tolerated. In summary, the available evidence is currently insufficient to determine the role of this variant in disease. Therefore, it has been classified as a Variant of Uncertain Significance.

Color Diagnostics, LLC DBA Color Health
Classification: Uncertain significance for Cardiomyopathy. Last evaluated: 2024-03-06. Review status: criteria provided, single submitter. Criteria: ACMG Guidelines, 2015. Collection method: clinical testing. Allele origin: germline.
Comment: This missense variant replaces arginine with leucine at codon 122 of the PKP2 protein. Computational prediction suggests that this variant may not impact protein structure and function (internally defined REVEL score threshold <= 0.5, PMID: 27666373). To our knowledge, functional studies have not been reported for this variant. This variant has not been reported in individuals affected with cardiovascular disorders in the literature. This variant has been identified in 1/248096 chromosomes in the general population by the Genome Aggregation Database (gnomAD). The available evidence is insufficient to determine the role of this variant in disease conclusively. Therefore, this variant is classified as a Variant of Uncertain Significance.

All of Us Research Program, National Institutes of Health
Classification: Uncertain significance for Arrhythmogenic right ventricular cardiomyopathy. Last evaluated: 2024-03-05. Review status: criteria provided, single submitter. Criteria: ACMG Guidelines, 2015. Collection method: clinical testing. Allele origin: germline. Inheritance: Autosomal dominant inheritance. Observed: 1 variant allele, 1 heterozygote.
Comment: This missense variant replaces arginine with leucine at codon 122 of the PKP2 protein. Computational prediction suggests that this variant may not impact protein structure and function (internally defined REVEL score threshold <= 0.5, PMID: 27666373). To our knowledge, functional studies have not been reported for this variant. This variant has not been reported in individuals affected with cardiovascular disorders in the literature. This variant has been identified in 1/248096 chromosomes in the general population by the Genome Aggregation Database (gnomAD). The available evidence is insufficient to determine the role of this variant in disease conclusively. Therefore, this variant is classified as a Variant of Uncertain Significance.

This study involves interpretation of variants in research participants for the purpose of population health screening. Participant phenotype was not available at the time of variant classification. Additional details can be found in publication PMID: 35346344, PMCID: PMC8962531

Ambry Genetics
Classification: Uncertain significance for Cardiovascular phenotype. Last evaluated: 2021-04-20. Review status: criteria provided, single submitter. Criteria: Ambry Variant Classification Scheme 2023. Collection method: clinical testing. Allele origin: germline.
Comment: The p.R122L variant (also known as c.365G>T), located in coding exon 3 of the PKP2 gene, results from a G to T substitution at nucleotide position 365. The arginine at codon 122 is replaced by leucine, an amino acid with dissimilar properties. This amino acid position is not well conserved in available vertebrate species. In addition, this alteration is predicted to be tolerated by in silico analysis. Since supporting evidence is limited at this time, the clinical significance of this alteration remains unclear.